The following is an entry in ClinVar:

ClinVar aggregate classification (germline): Uncertain significance (1 of 4 stars; one submission).

Allele frequency attached by ClinVar (database versions not stated): gnomAD exomes below 0.00001.
gnomAD v4.1: 2 of 1,576,344 alleles (0.00013%); highest among the groups gnomAD compares: Admixed American, 0.0018%; no homozygotes.

Submission:

Labcorp Genetics (formerly Invitae), Labcorp
Classification: Uncertain significance. Last evaluated: 2025-02-24. Review status: criteria provided, single submitter. Criteria: Invitae Variant Classification Sherloc (09022015). Collection method: clinical testing. Allele origin: germline.
Comment: This sequence change replaces lysine, which is basic and polar, with glutamine, which is neutral and polar, at codon 140 of the SLC12A1 protein (p.Lys140Gln). This variant is present in population databases (no rsID available, gnomAD 0.003%). This variant has not been reported in the literature in individuals affected with SLC12A1-related conditions. ClinVar contains an entry for this variant (Variation ID: 1942433). Invitae Evidence Modeling of protein sequence and biophysical properties (such as structural, functional, and spatial information, amino acid conservation, physicochemical variation, residue mobility, and thermodynamic stability) has been performed for this missense variant. However, the output from this modeling did not meet the statistical confidence thresholds required to predict the impact of this variant on SLC12A1 protein function. In summary, the available evidence is currently insufficient to determine the role of this variant in disease. Therefore, it has been classified as a Variant of Uncertain Significance.

NM_000338.3(SLC12A1):c.418A>C (p.Lys140Gln)

Gene: SLC12A1 (solute carrier family 12 member 1; plus strand). Cytogenetic location: 15q21.1.
Variant type: single nucleotide variant.
Coding change: c.418A>C on transcript NM_000338.3 (MANE Select); coding-DNA position 418, A replaced by C.
Protein change: p.Lys140Gln; replaces lysine 140 with glutamine.
Molecular consequence: missense variant.
Genome position (GRCh38, 1-based): chr15:48,208,137, A>C. VCF-style: chr15-48208137-A-C. GRCh37 (hg19) VCF-style: chr15-48500334-A-C.
Other names: c.418A>C, p.Lys140Gln (NM_001184832.2, NM_001384136.1); short protein forms K140Q.
Identifiers: ClinVar variation 1942433 (VCV001942433.5), dbSNP rs1215335178, ClinGen allele CA392332624.